The following is an entry in ClinVar:

ClinVar aggregate classification (germline): Uncertain significance (1 of 4 stars; one submission).

Allele frequency attached by ClinVar (database versions not stated): gnomAD exomes below 0.00001; TOPMed 0.00002.
gnomAD v4.1: 1 of 1,211,152 alleles (0.000083%); highest among the groups gnomAD compares: African/African-American, 0.0017%; no homozygotes.

Submission:

GeneDx
Classification: Uncertain significance. Last evaluated: 2022-03-18. Review status: criteria provided, single submitter. Criteria: GeneDx Variant Classification Process June 2021. Collection method: clinical testing. Allele origin: germline. Affected: yes.
Comment: Not observed at significant frequency in large population cohorts (gnomAD); In silico analysis supports that this missense variant does not alter protein structure/function; Has not been previously published as pathogenic or benign to our knowledge

NM_001291867.2(NHS):c.3512C>A (p.Thr1171Lys)

Gene: NHS (NHS actin remodeling regulator; plus strand). Cytogenetic location: Xp22.13.
Variant type: single nucleotide variant.
Coding change: c.3512C>A on transcript NM_001291867.2 (MANE Select); coding-DNA position 3512, C replaced by A.
Protein change: p.Thr1171Lys; replaces threonine 1171 with lysine.
Molecular consequence: missense variant.
Genome position (GRCh38, 1-based): chrX:17,727,618, C>A. VCF-style: chrX-17727618-C-A. GRCh37 (hg19) VCF-style: chrX-17745738-C-A.
Other names: c.2981C>A, p.Thr994Lys (NM_001136024.4); c.2918C>A, p.Thr973Lys (NM_001291868.2); c.3449C>A, p.Thr1150Lys (NM_198270.4); short protein forms T1150K, T1171K, T973K, T994K.
Identifiers: ClinVar variation 1706407 (VCV001706407.2), dbSNP rs908894347, ClinGen allele CA326967844.
Genomic context (GRCh38, chrX:17,727,618, plus strand): 5'-AAGTTAAGCAAAAAGAAGAAAACAATACAGATCTCCCTTATTTAGAGGAAAGCACACTCA[C>A]AACGGCTGCCTTGTCTCCAAGTAAGATTAGGCCGCATACAGCAAATAAATCAGTATCTCG-3'
Protein context (NP_001278796.1, residues 1161-1181): DLPYLEESTL[Thr1171Lys]TAALSPSKIR